The following is an entry in ClinVar:

ClinVar aggregate classification (germline): Uncertain significance (1 of 4 stars; one submission).

Conditions:
Charcot-Marie-Tooth disease type 2. Also called: Charcot-Marie-Tooth type 2. Identifiers: Orphanet 64746, MedGen C0270914, MONDO:0018993.

Submission:

Labcorp Genetics (formerly Invitae), Labcorp
Classification: Uncertain significance for Charcot-Marie-Tooth disease type 2. Last evaluated: 2021-02-02. Review status: criteria provided, single submitter. Criteria: Invitae Variant Classification Sherloc (09022015). Collection method: clinical testing. Allele origin: germline.
Comment: In summary, the available evidence is currently insufficient to determine the role of this variant in disease. Therefore, it has been classified as a Variant of Uncertain Significance. Nucleotide substitutions within the consensus splice site are a relatively common cause of aberrant splicing (PMID: 17576681, 9536098). Algorithms developed to predict the effect of sequence changes on RNA splicing suggest that this variant may disrupt the consensus splice site, but this prediction has not been confirmed by published transcriptional studies. This variant has not been reported in the literature in individuals with MFN2-related conditions. This variant is not present in population databases (ExAC no frequency). This sequence change falls in intron 12 of the MFN2 gene. It does not directly change the encoded amino acid sequence of the MFN2 protein. It affects a nucleotide within the consensus splice site of the intron.

Literature cited by the submitters: PubMed 17576681; PubMed 9536098.

NM_014874.4(MFN2):c.1287+4A>G

Gene: MFN2 (mitofusin 2; plus strand). Cytogenetic location: 1p36.22.
Variant type: single nucleotide variant.
Coding change: c.1287+4A>G on transcript NM_014874.4 (MANE Select); 4 bases into the intron after coding-DNA position 1287, A replaced by G.
Molecular consequence: intron variant.
Genome position (GRCh38, 1-based): chr1:12,004,122, A>G. VCF-style: chr1-12004122-A-G. GRCh37 (hg19) VCF-style: chr1-12064179-A-G.
Other names: c.1287+4A>G (NM_001127660.2).
Identifiers: ClinVar variation 1481711 (VCV001481711.6), dbSNP rs1162804216, ClinGen allele CA521183988.